The following is an entry in ClinVar:

NM_174878.3(CLRN1):c.494C>T (p.Ser165Leu)

Gene: CLRN1 (clarin 1; minus strand). Cytogenetic location: 3q25.1.
Variant type: single nucleotide variant.
Coding change: c.494C>T on transcript NM_174878.3 (MANE Select); coding-DNA position 494, C replaced by T.
Protein change: p.Ser165Leu; replaces serine 165 with leucine.
Molecular consequence: missense variant. On other transcripts: 3 prime UTR variant (1), non-coding transcript variant (1).
Genome position (GRCh38, 1-based): chr3:150,928,141, G>A on the plus strand (C>T on the coding strand, the complement: CLRN1 is on the minus strand). VCF-style: chr3-150928141-G-A. GRCh37 (hg19) VCF-style: chr3-150645928-G-A.
Other names: c.533C>T, p.Ser178Leu (NM_001195794.1); c.*108C>T (NM_001256819.2); c.266C>T, p.Ser89Leu (NM_052995.2); short protein forms S89L, S178L, S165L.
Identifiers: ClinVar variation 2154685 (VCV002154685.4), dbSNP rs2472761795, ClinGen allele CA354953233.

ClinVar aggregate classification (germline): Likely pathogenic (1 of 4 stars; one submission).

Submission:

Labcorp Genetics (formerly Invitae), Labcorp
Classification: Likely pathogenic. Last evaluated: 2022-09-22. Review status: criteria provided, single submitter. Criteria: Invitae Variant Classification Sherloc (09022015). Collection method: clinical testing. Allele origin: germline.
Comment: This variant is not present in population databases (gnomAD no frequency). In summary, the currently available evidence indicates that the variant is pathogenic, but additional data are needed to prove that conclusively. Therefore, this variant has been classified as Likely Pathogenic. Algorithms developed to predict the effect of missense changes on protein structure and function (SIFT, PolyPhen-2, Align-GVGD) all suggest that this variant is likely to be disruptive. This missense change has been observed in individual(s) with Usher syndrome (PMID: 21569298). In at least one individual the data is consistent with being in trans (on the opposite chromosome) from a pathogenic variant. This sequence change replaces serine, which is neutral and polar, with leucine, which is neutral and non-polar, at codon 165 of the CLRN1 protein (p.Ser165Leu).

Literature cited by the submitters: PubMed 21569298.